The following is an entry in ClinVar:

NM_001040108.2(MLH3):c.746T>C (p.Met249Thr)

Gene: MLH3 (mutL homolog 3; minus strand). Cytogenetic location: 14q24.3.
Variant type: single nucleotide variant.
Coding change: c.746T>C on transcript NM_001040108.2 (MANE Select); coding-DNA position 746, T replaced by C.
Protein change: p.Met249Thr; replaces methionine 249 with threonine.
Molecular consequence: missense variant.
Genome position (GRCh38, 1-based): chr14:75,048,910, A>G on the plus strand (T>C on the coding strand, the complement: MLH3 is on the minus strand). VCF-style: chr14-75048910-A-G. GRCh37 (hg19) VCF-style: chr14-75515613-A-G.
Other names: c.746T>C, p.Met249Thr (NM_014381.3); short protein forms M249T.
Identifiers: ClinVar variation 2563552 (VCV002563552.2), dbSNP rs2139599966, ClinGen allele CA390449286.
Genomic context (GRCh38, chr14:75,048,910, plus strand): 5'-TCAATGAGTTTATGTAGCTTTGTCCTTAAAACTAGTCTTTTGTTCACAAACAAAAACTGC[A>G]TATTCTTGTTGTAATGTGCTTCAGAGCTGATATAGCCACTAAGCTCAAACTCTTTATATT-3'
Protein context (NP_001035197.1, residues 239-259): ISSEAHYNKN[Met249Thr]QFLFVNKRLV

ClinVar aggregate classification (germline): Uncertain significance (1 of 4 stars; one submission).

Submission:

Ambry Genetics
Classification: Uncertain significance. Last evaluated: 2023-05-02. Review status: criteria provided, single submitter. Criteria: Ambry Variant Classification Scheme 2023. Collection method: clinical testing. Allele origin: germline.
Comment: The p.M249T variant (also known as c.746T>C), located in coding exon 1 of the MLH3 gene, results from a T to C substitution at nucleotide position 746. The methionine at codon 249 is replaced by threonine, an amino acid with similar properties. This amino acid position is conserved. In addition, the in silico prediction for this alteration is inconclusive. Since supporting evidence is limited at this time, the clinical significance of this alteration remains unclear.